The following is an entry in ClinVar:

NM_016169.4(SUFU):c.902C>G (p.Ser301Cys)

Gene: SUFU (SUFU negative regulator of hedgehog signaling; plus strand). Cytogenetic location: 10q24.32.
Variant type: single nucleotide variant.
Coding change: c.902C>G on transcript NM_016169.4 (MANE Select); coding-DNA position 902, C replaced by G.
Protein change: p.Ser301Cys; replaces serine 301 with cysteine.
Molecular consequence: missense variant.
Genome position (GRCh38, 1-based): chr10:102,597,285, C>G. VCF-style: chr10-102597285-C-G. GRCh37 (hg19) VCF-style: chr10-104357042-C-G.
Other names: c.902C>G, p.Ser301Cys (NM_001178133.2); short protein forms S301C.
Identifiers: ClinVar variation 569108 (VCV000569108.9), dbSNP rs1554852823, ClinGen allele CA377910878.

ClinVar aggregate classification (germline): Uncertain significance (1 of 4 stars; one submission).

Conditions:
Gorlin syndrome. Also called: Nevoid Basal Cell Carcinoma Syndrome; Basal cell nevus syndrome. Identifiers: Orphanet 377, MedGen C0004779, MONDO:0007187.
Medulloblastoma (MDB). Also called: MEDULLOBLASTOMA PREDISPOSITION SYNDROME; Medulloblastoma, somatic. Identifiers: Orphanet 616, MedGen C0025149, MeSH D008527, MONDO:0007959, OMIM 155255, HP:0002885.

Submission:

Labcorp Genetics (formerly Invitae), Labcorp
Classification: Uncertain significance for Gorlin syndrome; Medulloblastoma. Last evaluated: 2018-06-18. Review status: criteria provided, single submitter. Criteria: Invitae Variant Classification Sherloc (09022015). Collection method: clinical testing. Allele origin: germline.
Comment: In summary, the available evidence is currently insufficient to determine the role of this variant in disease. Therefore, it has been classified as a Variant of Uncertain Significance. Algorithms developed to predict the effect of missense changes on protein structure and function (SIFT, PolyPhen-2, Align-GVGD) all suggest that this variant is likely to be disruptive, but these predictions have not been confirmed by published functional studies and their clinical significance is uncertain. This variant has not been reported in the literature in individuals with SUFU-related disease. This variant is not present in population databases (ExAC no frequency). This sequence change replaces serine with cysteine at codon 301 of the SUFU protein (p.Ser301Cys). The serine residue is highly conserved and there is a moderate physicochemical difference between serine and cysteine.